The following is an entry in ClinVar:

ClinVar aggregate classification (germline): Uncertain significance (1 of 4 stars; one submission).

Submission:

GeneDx
Classification: Uncertain significance. Last evaluated: 2025-11-25. Review status: criteria provided, single submitter. Criteria: GeneDx Variant Classification Process June 2021. Collection method: clinical testing. Allele origin: germline. Affected: yes.
Comment: Not observed at significant frequency in large population cohorts (gnomAD); In silico analysis supports that this missense variant has a deleterious effect on protein structure/function; Has not been previously published as pathogenic or benign to our knowledge

NM_001288705.3(CSF1R):c.1846A>C (p.Lys616Gln)

Gene: CSF1R (colony stimulating factor 1 receptor; minus strand). Cytogenetic location: 5q32.
Variant type: single nucleotide variant.
Coding change: c.1846A>C on transcript NM_001288705.3 (MANE Select); coding-DNA position 1846, A replaced by C.
Protein change: p.Lys616Gln; replaces lysine 616 with glutamine.
Molecular consequence: missense variant. On other transcripts: non-coding transcript variant (2).
Genome position (GRCh38, 1-based): chr5:150,061,503, T>G on the plus strand (A>C on the coding strand, the complement: CSF1R is on the minus strand). VCF-style: chr5-150061503-T-G. GRCh37 (hg19) VCF-style: chr5-149441066-T-G.
Other names: c.1846A>C, p.Lys616Gln (NM_001349736.2, NM_001375320.1, NM_005211.4); c.1402A>C, p.Lys468Gln (NM_001375321.1); short protein forms K468Q, K616Q.
Identifiers: ClinVar variation 3602336 (VCV003602336.2).